The following is an entry in ClinVar:

NM_001199799.2(ILDR1):c.1238T>C (p.Ile413Thr)

Gene: ILDR1 (immunoglobulin like domain containing receptor 1; minus strand). Cytogenetic location: 3q13.33.
Variant type: single nucleotide variant.
Coding change: c.1238T>C on transcript NM_001199799.2 (MANE Select); coding-DNA position 1238, T replaced by C.
Protein change: p.Ile413Thr; replaces isoleucine 413 with threonine.
Molecular consequence: missense variant.
Genome position (GRCh38, 1-based): chr3:121,993,511, A>G on the plus strand (T>C on the coding strand, the complement: ILDR1 is on the minus strand). VCF-style: chr3-121993511-A-G. GRCh37 (hg19) VCF-style: chr3-121712358-A-G.
Other names: c.971T>C, p.Ile324Thr (NM_001199800.2); c.1106T>C, p.Ile369Thr (NM_175924.4); short protein forms I413T, I324T, I369T.
Identifiers: ClinVar variation 44137 (VCV000044137.15), dbSNP rs16832645, ClinGen allele CA133651.

ClinVar aggregate classification (germline): Benign. Review status: criteria provided, multiple submitters, no conflicts (2 of 4 stars). 7 submissions from 7 submitters: Benign (7). Last evaluated 2026-01-24.

Allele frequency attached by ClinVar (database versions not stated): ExAC 0.01188; gnomAD 0.03726 and 0.04001; gnomAD exomes 0.01004; 1000 Genomes Project 0.04073; ESP Exome Variant Server 0.04190; TOPMed 0.04239; 1000 Genomes Project 30x 0.04294.
gnomAD v4.1: 11,828 of 1,614,170 alleles (0.73%); highest among the groups gnomAD compares: African/African-American, 13%; 686 homozygotes.

Submissions (7):

Labcorp Genetics (formerly Invitae), Labcorp
Classification: Benign. Last evaluated: 2026-01-24. Review status: criteria provided, single submitter. Criteria: Invitae Variant Classification Sherloc (09022015). Collection method: clinical testing. Allele origin: germline.

Mayo Clinic Laboratories, Mayo Clinic
Classification: Benign. Last evaluated: 2020-10-02. Review status: criteria provided, single submitter. Criteria: ACMG Guidelines, 2015. Collection method: clinical testing. Allele origin: germline. Observed: 6 variant alleles.

Athena Diagnostics
Classification: Benign. Last evaluated: 2018-05-23. Review status: criteria provided, single submitter. Criteria: Athena Diagnostics Criteria. Collection method: clinical testing. Allele origin: germline.

GeneDx
Classification: Benign. Last evaluated: 2017-11-15. Review status: criteria provided, single submitter. Criteria: GeneDx Variant Classification (06012015). Collection method: clinical testing. Allele origin: germline. Affected: yes.
Comment: This variant is considered likely benign or benign based on one or more of the following criteria: it is a conservative change, it occurs at a poorly conserved position in the protein, it is predicted to be benign by multiple in silico algorithms, and/or has population frequency not consistent with disease.

Laboratory for Molecular Medicine, Mass General Brigham Personalized Medicine
Classification: Benign. Last evaluated: 2012-05-07. Review status: criteria provided, single submitter. Criteria: LMM Criteria. Collection method: clinical testing. Allele origin: germline. Observed: 54 variant alleles.
Comment: Ile413Thr in Exon 07 of ILDR1: This variant is not expected to have clinical sig nificance because it has been identified in 12.4% (463/3738) of African American chromosomes from a broad population by the NHLBI Exome Sequencing Project (dbSNP rs16832645).

Breakthrough Genomics
Classification: Benign. Review status: criteria provided, single submitter. Criteria: ACMG Guidelines, 2015. Collection method: not provided. Allele origin: germline. Inheritance: Autosomal recessive inheritance. Affected: yes.

PreventionGenetics, part of Exact Sciences
Classification: Benign. Review status: criteria provided, single submitter. Criteria: ACMG Guidelines, 2015. Collection method: clinical testing. Allele origin: germline.